The following is an entry in ClinVar:

ClinVar aggregate classification (germline): Likely benign. Review status: criteria provided, multiple submitters, no conflicts (2 of 4 stars). 2 submissions from 2 submitters: Likely benign (2). Last evaluated 2026-08-01.

Allele frequency attached by ClinVar (database versions not stated): gnomAD exomes below 0.00001; TOPMed 0.00001.
gnomAD v4.1: 2 of 1,614,112 alleles (0.00012%); highest among the groups gnomAD compares: Admixed American, 0.0017%; no homozygotes.

Submissions (2):

CeGaT Center for Human Genetics Tuebingen
Classification: Likely benign. Last evaluated: 2026-08-01. Review status: criteria provided, single submitter. Criteria: CeGaT Center For Human Genetics Tuebingen Variant Classification Criteria Version 2. Collection method: clinical testing. Allele origin: germline. Affected: yes. Observed: 1 variant allele.
Comment: ABCB4: BP4, BP7

Labcorp Genetics (formerly Invitae), Labcorp
Classification: Likely benign. Last evaluated: 2025-11-15. Review status: criteria provided, single submitter. Criteria: Invitae Variant Classification Sherloc (09022015). Collection method: clinical testing. Allele origin: germline.

NM_000443.4(ABCB4):c.3024C>T (p.Phe1008=)

Gene: ABCB4 (ATP binding cassette subfamily B member 4; minus strand). Cytogenetic location: 7q21.12.
Variant type: single nucleotide variant.
Coding change: c.3024C>T on transcript NM_000443.4 (MANE Select); coding-DNA position 3024, C replaced by T.
Protein change: p.Phe1008=; no amino-acid change (phenylalanine 1008 retained).
Molecular consequence: synonymous variant.
Genome position (GRCh38, 1-based): chr7:87,409,293, G>A on the plus strand (C>T on the coding strand, the complement: ABCB4 is on the minus strand). VCF-style: chr7-87409293-G-A. GRCh37 (hg19) VCF-style: chr7-87038609-G-A.
Other names: c.3024C>T, p.Phe1008= (NM_018849.3); c.2883C>T, p.Phe961= (NM_018850.3).
Identifiers: ClinVar variation 2968629 (VCV002968629.4), dbSNP rs1288322697, ClinGen allele CA456357483.